The following is an entry in ClinVar:

ClinVar aggregate classification (germline): Uncertain significance (1 of 4 stars; one submission).

gnomAD v4.1: 2 of 1,608,768 alleles (0.00012%); highest among the groups gnomAD compares: African/African-American, 0.0013%; no homozygotes.

Submission:

Labcorp Genetics (formerly Invitae), Labcorp
Classification: Uncertain significance. Last evaluated: 2024-10-23. Review status: criteria provided, single submitter. Criteria: Invitae Variant Classification Sherloc (09022015). Collection method: clinical testing. Allele origin: germline.
Comment: This sequence change replaces valine, which is neutral and non-polar, with isoleucine, which is neutral and non-polar, at codon 1182 of the SCN3A protein (p.Val1182Ile). This variant is not present in population databases (gnomAD no frequency). This variant has not been reported in the literature in individuals affected with SCN3A-related conditions. Invitae Evidence Modeling of protein sequence and biophysical properties (such as structural, functional, and spatial information, amino acid conservation, physicochemical variation, residue mobility, and thermodynamic stability) indicates that this missense variant is not expected to disrupt SCN3A protein function with a negative predictive value of 95%. In summary, the available evidence is currently insufficient to determine the role of this variant in disease. Therefore, it has been classified as a Variant of Uncertain Significance.

NM_006922.4(SCN3A):c.3544G>A (p.Val1182Ile)

Gene: SCN3A (sodium voltage-gated channel alpha subunit 3; minus strand). Cytogenetic location: 2q24.3.
Variant type: single nucleotide variant.
Coding change: c.3544G>A on transcript NM_006922.4 (MANE Select); coding-DNA position 3544, G replaced by A.
Protein change: p.Val1182Ile; replaces valine 1182 with isoleucine.
Molecular consequence: missense variant.
Genome position (GRCh38, 1-based): chr2:165,113,941, C>T on the plus strand (G>A on the coding strand, the complement: SCN3A is on the minus strand). VCF-style: chr2-165113941-C-T. GRCh37 (hg19) VCF-style: chr2-165970451-C-T.
Other names: c.3397G>A, p.Val1133Ile (NM_001081676.2, NM_001081677.2); short protein forms V1133I, V1182I.
Identifiers: ClinVar variation 2806466 (VCV002806466.3), dbSNP rs1477240711, ClinGen allele CA349034161.
Genomic context (GRCh38, chr2:165,113,941, plus strand): 5'-TACTGTAGCAGGTTTTTCGAAGATTCCACCAGATCTTCCCTTTGCCTTCTTCTGTACTTA[C>T]TTGACAGAATGGAAACTTTTTAATACATCCTAAAAATCAAATATAGTTAATTAAAAAATA-3'
Protein context (NP_008853.3, residues 1172-1192): GCIKKFPFCQ[Val1182Ile]STEEGKGKIW